The following is an entry in ClinVar:

ClinVar aggregate classification (germline): Uncertain significance (1 of 4 stars; one submission).

Allele frequency attached by ClinVar (database versions not stated): gnomAD exomes below 0.00001 and 0.00001; ExAC 0.00001; gnomAD 0.00001; TOPMed 0.00003.
gnomAD v4.1: 15 of 1,613,770 alleles (0.00093%); highest among the groups gnomAD compares: Admixed American, 0.005%; no homozygotes.

Submission:

Labcorp Genetics (formerly Invitae), Labcorp
Classification: Uncertain significance. Last evaluated: 2022-05-04. Review status: criteria provided, single submitter. Criteria: Invitae Variant Classification Sherloc (09022015). Collection method: clinical testing. Allele origin: germline.
Comment: In summary, the available evidence is currently insufficient to determine the role of this variant in disease. Therefore, it has been classified as a Variant of Uncertain Significance. Algorithms developed to predict the effect of sequence changes on RNA splicing suggest that this variant may create or strengthen a splice site. Advanced modeling of protein sequence and biophysical properties (such as structural, functional, and spatial information, amino acid conservation, physicochemical variation, residue mobility, and thermodynamic stability) performed at Invitae indicates that this missense variant is not expected to disrupt FAT4 protein function. This variant has not been reported in the literature in individuals affected with FAT4-related conditions. This variant is present in population databases (rs778860447, gnomAD 0.0009%). This sequence change replaces aspartic acid, which is acidic and polar, with tyrosine, which is neutral and polar, at codon 1708 of the FAT4 protein (p.Asp1708Tyr).

NM_001291303.3(FAT4):c.5122G>T (p.Asp1708Tyr)

Gene: FAT4 (FAT atypical cadherin 4; plus strand). Cytogenetic location: 4q28.1.
Variant type: single nucleotide variant.
Coding change: c.5122G>T on transcript NM_001291303.3 (MANE Select); coding-DNA position 5122, G replaced by T.
Protein change: p.Asp1708Tyr; replaces aspartic acid 1708 with tyrosine.
Molecular consequence: missense variant.
Genome position (GRCh38, 1-based): chr4:125,321,533, G>T. VCF-style: chr4-125321533-G-T. GRCh37 (hg19) VCF-style: chr4-126242688-G-T.
Other names: c.5122G>T, p.Asp1708Tyr (NM_001291285.3, NM_024582.6); short protein forms D1708Y.
Identifiers: ClinVar variation 1474212 (VCV001474212.4), dbSNP rs778860447, ClinGen allele CA3072580.
Genomic context (GRCh38, chr4:125,321,533, plus strand): 5'-GGTATAATTCAGACCGCAGCCATTCTGGACCGGGAGCAAGGAGCATGTCTTTACCTGGTG[G>T]ATGTTTATGCCATAGAAAAATCAACTGCTTTTCCCAGAACACAGAGAGCAGAGGTAATGA-3'
Protein context (NP_001278232.1, residues 1698-1718): REQGACLYLV[Asp1708Tyr]VYAIEKSTAF